The following is an entry in ClinVar:

ClinVar aggregate classification (germline): Uncertain significance (1 of 4 stars; one submission).

Conditions:
Combined immunodeficiency due to ORAI1 deficiency. Also called: IMMUNODEFICIENCY 9. Identifiers: Orphanet 169090, Orphanet 317428, MedGen C2748568, MONDO:0013007, OMIM 612782.
Myopathy, tubular aggregate, 2 (TAM2). Identifiers: MedGen C4014557, MONDO:0014383, OMIM 615883.

Allele frequency attached by ClinVar (database versions not stated): gnomAD 0.00001 and 0.00002; TOPMed 0.00002; ESP Exome Variant Server 0.00016; ExAC 0.00025.

Submission:

Labcorp Genetics (formerly Invitae), Labcorp
Classification: Uncertain significance for Myopathy, tubular aggregate, 2; Combined immunodeficiency due to ORAI1 deficiency. Last evaluated: 2026-01-26. Review status: criteria provided, single submitter. Criteria: Invitae Variant Classification Sherloc (09022015). Collection method: clinical testing. Allele origin: germline.
Comment: This sequence change replaces glycine, which is neutral and non-polar, with serine, which is neutral and polar, at codon 297 of the ORAI1 protein (p.Gly297Ser). This variant is present in population databases (rs375464035, gnomAD 0.02%). This variant has not been reported in the literature in individuals affected with ORAI1-related conditions. ClinVar contains an entry for this variant (Variation ID: 1436439). Experimental studies and prediction algorithms are not available or were not evaluated, and the functional significance of this variant is currently unknown. In summary, the available evidence is currently insufficient to determine the role of this variant in disease. Therefore, it has been classified as a Variant of Uncertain Significance.

NC_000012.12:g.121641626G>A

Gene: ORAI1 (ORAI calcium release-activated calcium modulator 1; plus strand). Cytogenetic location: 12q24.31.
Variant type: single nucleotide variant.
Genome position: GRCh38 VCF-style: chr12-121641626-G-A. GRCh37 (hg19) VCF-style: chr12-122079532-G-A.
Other names: c.889G>A, p.Gly297Ser (NM_032790.4); short protein forms G297S.
Identifiers: ClinVar variation 1436439 (VCV001436439.10), dbSNP rs375464035, ClinGen allele CA6837588.